The following is an entry in ClinVar:

NM_000327.4(ROM1):c.305C>T (p.Pro102Leu)

Gene: ROM1 (retinal outer segment membrane protein 1; plus strand). Cytogenetic location: 11q12.3.
Variant type: single nucleotide variant.
Coding change: c.305C>T on transcript NM_000327.4 (MANE Select); coding-DNA position 305, C replaced by T.
Protein change: p.Pro102Leu; replaces proline 102 with leucine.
Molecular consequence: missense variant.
Genome position (GRCh38, 1-based): chr11:62,613,586, C>T. VCF-style: chr11-62613586-C-T. GRCh37 (hg19) VCF-style: chr11-62381058-C-T.
Other names: c.305C>T (NM_000327.3); short protein forms P102L.
Identifiers: ClinVar variation 1951751 (VCV001951751.7), dbSNP rs1451332545, ClinGen allele CA380969332.

ClinVar aggregate classification (germline): Uncertain significance. Review status: criteria provided, multiple submitters, no conflicts (2 of 4 stars). 3 submissions from 3 submitters: Uncertain significance (3). Last evaluated 2025-03-25.

Allele frequency attached by ClinVar (database versions not stated): gnomAD 0.00001; gnomAD exomes 0.00001; TOPMed 0.00001.

Submissions (3):

Labcorp Genetics (formerly Invitae), Labcorp
Classification: Uncertain significance. Last evaluated: 2025-03-25. Review status: criteria provided, single submitter. Criteria: Invitae Variant Classification Sherloc (09022015). Collection method: clinical testing. Allele origin: germline.
Comment: This sequence change replaces proline, which is neutral and non-polar, with leucine, which is neutral and non-polar, at codon 102 of the ROM1 protein (p.Pro102Leu). This variant is present in population databases (no rsID available, gnomAD 0.004%). This variant has not been reported in the literature in individuals affected with ROM1-related conditions. ClinVar contains an entry for this variant (Variation ID: 1951751). Invitae Evidence Modeling of protein sequence and biophysical properties (such as structural, functional, and spatial information, amino acid conservation, physicochemical variation, residue mobility, and thermodynamic stability) indicates that this missense variant is not expected to disrupt ROM1 protein function with a negative predictive value of 80%. In summary, the available evidence is currently insufficient to determine the role of this variant in disease. Therefore, it has been classified as a Variant of Uncertain Significance.

Ambry Genetics
Classification: Uncertain significance. Last evaluated: 2024-11-06. Review status: criteria provided, single submitter. Criteria: Ambry Variant Classification Scheme 2023. Collection method: clinical testing. Allele origin: germline.

Blueprint Genetics
Classification: Uncertain significance. Last evaluated: 2022-05-17. Review status: criteria provided, single submitter. Criteria: ACMG Guidelines, 2015. Collection method: clinical testing. Allele origin: germline.